The following is an entry in ClinVar:

NM_006648.4(WNK2):c.2788C>T (p.His930Tyr)

Gene: WNK2 (WNK lysine deficient protein kinase 2; plus strand). Cytogenetic location: 9q22.31.
Variant type: single nucleotide variant.
Coding change: c.2788C>T on transcript NM_006648.4 (MANE Select); coding-DNA position 2788, C replaced by T.
Protein change: p.His930Tyr; replaces histidine 930 with tyrosine.
Molecular consequence: missense variant.
Genome position (GRCh38, 1-based): chr9:93,259,336, C>T. VCF-style: chr9-93259336-C-T. GRCh37 (hg19) VCF-style: chr9-96021618-C-T.
Other names: c.2788C>T, p.His930Tyr (NM_001282394.3); short protein forms H930Y.
Identifiers: ClinVar variation 3816435 (VCV003816435.1).

ClinVar aggregate classification (germline): Uncertain significance (1 of 4 stars; one submission).

gnomAD v4.1: 8 of 1,613,296 alleles (0.0005%); highest among the groups gnomAD compares: Non-Finnish European, 0.00068%; no homozygotes.

Submission:

Ambry Genetics
Classification: Uncertain significance. Last evaluated: 2024-12-12. Review status: criteria provided, single submitter. Criteria: Ambry Variant Classification Scheme 2023. Collection method: clinical testing. Allele origin: germline.
Comment: The p.H930Y variant (also known as c.2788C>T), located in coding exon 11 of the WNK2 gene, results from a C to T substitution at nucleotide position 2788. The histidine at codon 930 is replaced by tyrosine, an amino acid with similar properties. This amino acid position is conserved. In addition, the in silico prediction for this alteration is inconclusive. Based on the available evidence, the clinical significance of this variant remains unclear.